The following is an entry in ClinVar:

NM_000400.4(ERCC2):c.1810G>C (p.Val604Leu)

Gene: ERCC2 (ERCC excision repair 2, TFIIH core complex helicase subunit; minus strand). Cytogenetic location: 19q13.32.
Variant type: single nucleotide variant.
Coding change: c.1810G>C on transcript NM_000400.4 (MANE Select); coding-DNA position 1810, G replaced by C.
Protein change: p.Val604Leu; replaces valine 604 with leucine.
Molecular consequence: missense variant.
Genome position (GRCh38, 1-based): chr19:45,353,104, C>G on the plus strand (G>C on the coding strand, the complement: ERCC2 is on the minus strand). VCF-style: chr19-45353104-C-G. GRCh37 (hg19) VCF-style: chr19-45856362-C-G.
Other names: short protein forms V604L.
Identifiers: ClinVar variation 3276224 (VCV003276224.1).
Genomic context (GRCh38, chr19:45,353,104, plus strand): 5'-TGGGAAGACACCTGGGGAGGAAGAGCCCAGTCCACTCACCAAAGTCGATTCCCTCGGACA[C>G]TTTGCCCCGGGCCACTGACAGCAGGATGGCCCCGCGGCCATTCTCGCAGGCCTGAGGTGG-3'
Protein context (NP_000391.1, residues 594-614): AILLSVARGK[Val604Leu]SEGIDFVHHY

ClinVar aggregate classification (germline): Uncertain significance (1 of 4 stars; one submission).

Conditions:
Inborn genetic diseases. Identifiers: MedGen C0950123, MeSH D030342.

gnomAD v4.1: 4 of 1,613,454 alleles (0.00025%); highest among the groups gnomAD compares: Non-Finnish European, 0.00034%; no homozygotes.

Submission:

Ambry Genetics
Classification: Uncertain significance for Inborn genetic diseases. Last evaluated: 2024-06-01. Review status: criteria provided, single submitter. Criteria: Ambry Variant Classification Scheme 2023. Collection method: clinical testing. Allele origin: germline.
Comment: The p.V604L variant (also known as c.1810G>C), located in coding exon 19 of the ERCC2 gene, results from a G to C substitution at nucleotide position 1810. The valine at codon 604 is replaced by leucine, an amino acid with highly similar properties. This amino acid position is conserved. In addition, this alteration is predicted to be deleterious by in silico analysis. Based on the available evidence, the clinical significance of this variant remains unclear.